The following is an entry in ClinVar:

NM_000377.3(WAS):c.391G>A (p.Glu131Lys)

Gene: WAS (WASP actin nucleation promoting factor; plus strand). Cytogenetic location: Xp11.23.
Variant type: single nucleotide variant.
Coding change: c.391G>A on transcript NM_000377.3 (MANE Select); coding-DNA position 391, G replaced by A.
Protein change: p.Glu131Lys; replaces glutamic acid 131 with lysine.
Molecular consequence: missense variant.
Genome position (GRCh38, 1-based): chrX:48,685,764, G>A. VCF-style: chrX-48685764-G-A. GRCh37 (hg19) VCF-style: chrX-48544153-G-A.
Other names: short protein forms E131K.
Identifiers: ClinVar variation 135413 (VCV000135413.63), dbSNP rs146220228, ClinGen allele CA162684.

ClinVar aggregate classification (germline): Conflicting classifications of pathogenicity. Review status: criteria provided, conflicting classifications (1 of 4 stars). 13 submissions from 13 submitters: Uncertain significance (1); Benign (3); Likely benign (7). 2 of the submissions do not count toward it. Last evaluated 2026-09-01.

Conditions:
WAS-related disorder. Also called: WAS-related condition; WAS-Related Disorders. Identifiers: MedGen CN381538.
X-linked severe congenital neutropenia (SCNX). Identifiers: Orphanet 86788, MedGen C1845987, MONDO:0010294, OMIM 300299.
Wiskott-Aldrich syndrome (WAS). Also called: Wiskott-aldrich syndrome, somatic; ALDRICH SYNDROME; IMMUNODEFICIENCY 2; WISKOTT-ALDRICH SYNDROME 1. Identifiers: Orphanet 906, MedGen C0043194, MONDO:0010518, OMIM 301000.
Thrombocytopenia 1. Also called: X-Linked Thrombocytopenia (XLT); X-linked thrombocytopenia with normal platelets; THROMBOCYTOPENIA, X-LINKED, 1. Identifiers: Orphanet 268322, Orphanet 852, MedGen C1839163, MONDO:0010743, OMIM 313900.

Allele frequency attached by ClinVar (database versions not stated): ESP Exome Variant Server 0.00228; gnomAD exomes 0.00259 and 0.00271; 1000 Genomes Project 0.00079; 1000 Genomes Project 30x 0.00104; TOPMed 0.00164; gnomAD 0.00218 and 0.00222; ExAC 0.00519.
gnomAD v4.1: 3,127 of 1,180,777 alleles (0.26%); highest among the groups gnomAD compares: Middle Eastern, 0.39%; 5 homozygotes.

Submissions (13):

CeGaT Center for Human Genetics Tuebingen
Classification: Benign. Last evaluated: 2026-09-01. Review status: criteria provided, single submitter. Criteria: CeGaT Center For Human Genetics Tuebingen Variant Classification Criteria Version 2. Collection method: clinical testing. Allele origin: germline. Affected: yes. Observed: 26 variant alleles.
Comment: WAS: BS1, BS2

Women's Health and Genetics/Laboratory Corporation of America, LabCorp
Classification: Likely benign. Last evaluated: 2026-03-18. Review status: criteria provided, single submitter. Criteria: LabCorp Variant Classification Summary - May 2015. Collection method: clinical testing. Allele origin: germline.
Comment: Variant summary: WAS c.391G>A (p.Glu131Lys) results in a conservative amino acid change in the encoded protein sequence. Algorithms developed to predict the effect of missense changes on protein structure and function are either unavailable or do not agree on the potential impact of this missense change. The variant allele was found at a frequency of 0.0026 in 132777 control chromosomes, including 1 homozygote and 94 hemizygotes, and predominantly at a frequency of 0.0064 within the Finnish subpopulation in the gnomAD database. The observed variant frequency within Finnish control individuals in the gnomAD database exceeds the estimated maximal expected allele frequency for disease-causing variants in WAS. c.391G>A has been observed in at least two related individuals with clinical features of Wiskott-Aldrich Syndrome, however testing for other genetic causes (i.e. variants in other immunodeficiency-related genes) was not performed (Derry_1995). This report does not provide unequivocal conclusions about association of the variant with Wiskott-Aldrich Syndrome. At least one publication reported experimental evidence evaluating an impact on protein function in a yeast model system. The variant was able to rescue growth in the mutant yeast strain similar to the WT protein, suggesting it does not have a damaging impact on WASP-WIP interaction (Rajmohan_2009). The following publications have been ascertained in the context of this evaluation (PMID: 8528199, 19817875). ClinVar contains an entry for this variant (Variation ID: 135413). Based on the evidence outlined above, the variant was classified as likely benign.

Labcorp Genetics (formerly Invitae), Labcorp
Classification: Benign for Wiskott-Aldrich syndrome; X-linked severe congenital neutropenia; Thrombocytopenia 1. Last evaluated: 2026-02-04. Review status: criteria provided, single submitter. Criteria: Invitae Variant Classification Sherloc (09022015). Collection method: clinical testing. Allele origin: germline.

Mayo Clinic Laboratories, Mayo Clinic
Classification: Likely benign. Last evaluated: 2025-10-27. Review status: criteria provided, single submitter. Criteria: ACMG Guidelines, 2015. Collection method: clinical testing. Allele origin: germline. Observed: 10 variant alleles.
Comment: BS1, BS2, PP3

Blueprint Genetics
Classification: Likely benign. Last evaluated: 2024-11-28. Review status: criteria provided, single submitter. Criteria: ACMG Guidelines, 2015. Collection method: clinical testing. Allele origin: germline.

KCCC/NGS Laboratory, Kuwait Cancer Control Center
Classification: Benign for Wiskott-Aldrich syndrome. Last evaluated: 2023-07-07. Review status: criteria provided, single submitter. Criteria: ACMG Guidelines, 2015. Collection method: clinical testing. Allele origin: germline. Affected: yes.

Fulgent Genetics
Classification: Likely benign for X-linked severe congenital neutropenia; Wiskott-Aldrich syndrome; Thrombocytopenia 1. Last evaluated: 2022-04-13. Review status: criteria provided, single submitter. Criteria: ACMG Guidelines, 2015. Collection method: clinical testing. Allele origin: unknown.

GeneDx
Classification: Likely benign. Last evaluated: 2021-08-06. Review status: criteria provided, single submitter. Criteria: GeneDx Variant Classification Process June 2021. Collection method: clinical testing. Allele origin: germline. Affected: yes.
Comment: This variant is associated with the following publications: (PMID: 32185379, 28008999, 27153395, 8528199, 24728327, 19817875)

Mendelics
Classification: Likely benign for X-linked severe congenital neutropenia. Last evaluated: 2019-05-28. Review status: criteria provided, single submitter. Criteria: Mendelics Assertion Criteria 2017. Collection method: clinical testing. Allele origin: unknown.

Center for Pediatric Genomic Medicine, Children's Mercy Hospital and Clinics
Classification: Likely benign. Last evaluated: 2017-06-26. Review status: criteria provided, single submitter. Criteria: ACMG Guidelines, 2015. Collection method: clinical testing. Allele origin: germline.

ISTH-SSC Genomics in Thrombosis and Hemostasis, KU Leuven, Center for Molecular and Vascular Biology
Classification: Uncertain significance for Thrombocytopenia 1. Review status: criteria provided, single submitter. Criteria: ACMG Guidelines, 2015. Collection method: clinical testing. Allele origin: germline. Affected: yes. Observed: 1 hemizygote.
Comment: Submitted to GoldVariant by Jose María Bastida and José Rivera; Grupo Español de Alteraciones Plaquetarias Congénitas (GEAPC)

PreventionGenetics, part of Exact Sciences
Classification: Likely benign for WAS-related condition. Last evaluated: 2019-05-06. Review status: no assertion criteria provided. Collection method: clinical testing. Allele origin: germline. Not counted in ClinVar's aggregate classification.
Comment: This variant is classified as likely benign based on ACMG/AMP sequence variant interpretation guidelines (Richards et al. 2015 PMID: 25741868, with internal and published modifications).

ITMI
No classification provided. Condition: AllHighlyPenetrant. Last evaluated: 2013-09-19. Review status: no classification provided. Collection method: reference population. Allele origin: germline. Not counted in ClinVar's aggregate classification.
Comment: Please see associated publication for description of ethnicities

Literature cited by the submitters: PubMed 8528199 (cited by Women's Health and Genetics/Laboratory Corporation of America, LabCorp and Mayo Clinic Laboratories, Mayo Clinic); PubMed 19817875 (cited by Women's Health and Genetics/Laboratory Corporation of America, LabCorp and Mayo Clinic Laboratories, Mayo Clinic); PubMed 15284122 (cited by Mayo Clinic Laboratories, Mayo Clinic); PubMed 28750028 (cited by Mayo Clinic Laboratories, Mayo Clinic); PubMed 34573280 (cited by Mayo Clinic Laboratories, Mayo Clinic); PubMed 36790564 (cited by Mayo Clinic Laboratories, Mayo Clinic); PubMed 36920900 (cited by Mayo Clinic Laboratories, Mayo Clinic); PubMed 24728327 (cited by ITMI).